The following is an entry in ClinVar:

NM_024426.6(WT1):c.1329C>A (p.Leu443=)

Gene: WT1 (WT1 transcription factor; minus strand). Cytogenetic location: 11p13.
Variant type: single nucleotide variant.
Coding change: c.1329C>A on transcript NM_024426.6 (MANE Select); coding-DNA position 1329, C replaced by A.
Protein change: p.Leu443=; no amino-acid change (leucine 443 retained).
Molecular consequence: synonymous variant. On other transcripts: non-coding transcript variant (2), intron variant (1).
Genome position (GRCh38, 1-based): chr11:32,392,691, G>T on the plus strand (C>A on the coding strand, the complement: WT1 is on the minus strand). VCF-style: chr11-32392691-G-T. GRCh37 (hg19) VCF-style: chr11-32414237-G-T.
Other names: c.1278C>A, p.Leu426= (NM_000378.6, NM_001407045.1, NM_001407049.1); c.678C>A, p.Leu226= (NM_001198551.2); c.627C>A, p.Leu209= (NM_001198552.2); c.141C>A, p.Leu47= (NM_001367854.1); c.1323C>A, p.Leu441= (NM_001407044.1); c.1329C>A, p.Leu443= (NM_001407046.1, NM_024424.5); c.1206C>A, p.Leu402= (NM_001407047.1); c.1155C>A, p.Leu385= (NM_001407050.1); and 3 more.
Identifiers: ClinVar variation 2929962 (VCV002929962.4), dbSNP rs2132920008, ClinGen allele CA473565795.

ClinVar aggregate classification (germline): Likely benign. Review status: criteria provided, multiple submitters, no conflicts (2 of 4 stars). 2 submissions from 2 submitters: Likely benign (2). Last evaluated 2023-11-02.

Conditions:
Drash syndrome (DDS). Also called: NEPHROPATHY, WILMS TUMOR, AND GENITAL ANOMALIES; WILMS TUMOR AND PSEUDO- OR TRUE HERMAPHRODITISM. Identifiers: Orphanet 220, MedGen C0950121, MONDO:0008682, OMIM 194080.
Wilms tumor 1 (WT1). Also called: Wilms tumor, somatic. Identifiers: Orphanet 654, MedGen CN033288, MONDO:0008679, OMIM 194070.
11p partial monosomy syndrome (WAGR). Also called: CHROMOSOME 11p13 DELETION SYNDROME; WAGR Spectrum Disorder; WAGR syndrome; WAGR Complex. Identifiers: Orphanet 893, MedGen C0206115, MONDO:0008681, OMIM 194072.
Frasier syndrome. Identifiers: Orphanet 347, MedGen C0950122, MeSH D052159, MONDO:0007635, OMIM 136680.

Allele frequency attached by ClinVar (database versions not stated): gnomAD exomes below 0.00001.
gnomAD v4.1: 1 of 1,614,050 alleles (0.000062%); highest among the groups gnomAD compares: South Asian, 0.0011%; no homozygotes.

Submissions (2):

All of Us Research Program, National Institutes of Health
Classification: Likely benign for Wilms tumor 1. Last evaluated: 2023-11-02. Review status: criteria provided, single submitter. Criteria: ACMG Guidelines, 2015. Collection method: clinical testing. Allele origin: germline. Inheritance: Autosomal dominant inheritance. Observed: 1 variant allele, 1 heterozygote.
Comment: This study involves interpretation of variants in research participants for the purpose of population health screening. Participant phenotype was not available at the time of variant classification. Additional details can be found in publication PMID: 35346344, PMCID: PMC8962531

Labcorp Genetics (formerly Invitae), Labcorp
Classification: Likely benign for Wilms tumor 1; Drash syndrome; 11p partial monosomy syndrome; Frasier syndrome. Last evaluated: 2023-05-01. Review status: criteria provided, single submitter. Criteria: Invitae Variant Classification Sherloc (09022015). Collection method: clinical testing. Allele origin: germline.